The following is an entry in ClinVar:

ClinVar aggregate classification (germline): Uncertain significance (1 of 4 stars; one submission).

Submission:

GeneDx
Classification: Uncertain significance. Last evaluated: 2023-02-23. Review status: criteria provided, single submitter. Criteria: GeneDx Variant Classification Process June 2021. Collection method: clinical testing. Allele origin: germline. Affected: yes.
Comment: Not observed at significant frequency in large population cohorts (gnomAD); Has not been previously published as pathogenic or benign to our knowledge; In silico analysis suggests this variant may impact gene splicing. In the absence of RNA/functional studies, the actual effect of this sequence change is unknown.

NM_001267550.2(TTN):c.32723-6T>A

Gene: TTN (titin; minus strand). Cytogenetic location: 2q31.2.
Variant type: single nucleotide variant.
Coding change: c.32723-6T>A on transcript NM_001267550.2 (MANE Select); 6 bases into the intron before coding-DNA position 32723, T replaced by A.
Molecular consequence: intron variant.
Genome position (GRCh38, 1-based): chr2:178,684,088, A>T on the plus strand (T>A on the coding strand, the complement: TTN is on the minus strand). VCF-style: chr2-178684088-A-T. GRCh37 (hg19) VCF-style: chr2-179548815-A-T.
Other names: c.13283-41771T>A (NM_003319.4); c.13859-41771T>A (NM_133437.4); c.13658-41771T>A (NM_133432.3); c.28991-6T>A (NM_133378.4); c.31772-6T>A (NM_001256850.1).
Identifiers: ClinVar variation 2577637 (VCV002577637.1), dbSNP rs2474129590, ClinGen allele CA2580617517.